The following is an entry in ClinVar:

ClinVar aggregate classification (germline): Uncertain significance (1 of 4 stars; one submission).

Conditions:
Lynch syndrome. Identifiers: Orphanet 144, MedGen C4552100, MONDO:0005835. Disease mechanism: loss of function.

gnomAD v4.1: 1 of 1,614,086 alleles (0.000062%); highest among the groups gnomAD compares: Non-Finnish European, 0.000085%; no homozygotes.

Submission:

All of Us Research Program, National Institutes of Health
Classification: Uncertain significance for Lynch syndrome. Last evaluated: 2023-06-08. Review status: criteria provided, single submitter. Criteria: ACMG Guidelines, 2015. Collection method: clinical testing. Allele origin: germline. Inheritance: Autosomal dominant inheritance. Observed: 1 variant allele, 1 heterozygote.
Comment: This missense variant replaces leucine with valine at codon 792 of the MSH6 protein. Computational prediction suggests that this variant may have deleterious impact on protein structure and function (internally defined REVEL score threshold >= 0.7, PMID: 27666373). To our knowledge, functional studies have not been reported for this variant. This variant has not been reported in individuals affected with MSH6-related disorders in the literature. This variant has not been identified in the general population by the Genome Aggregation Database (gnomAD). The available evidence is insufficient to determine the role of this variant in disease conclusively. Therefore, this variant is classified as a Variant of Uncertain Significance.

This study involves interpretation of variants in research participants for the purpose of population health screening. Participant phenotype was not available at the time of variant classification. Additional details can be found in publication PMID: 35346344, PMCID: PMC8962531

NM_000179.3(MSH6):c.2374C>G (p.Leu792Val)

Gene: MSH6 (mutS homolog 6; plus strand). Cytogenetic location: 2p16.3.
Variant type: single nucleotide variant.
Coding change: c.2374C>G on transcript NM_000179.3 (MANE Select); coding-DNA position 2374, C replaced by G.
Protein change: p.Leu792Val; replaces leucine 792 with valine.
Molecular consequence: missense variant. On other transcripts: non-coding transcript variant (5), intron variant (3).
Genome position (GRCh38, 1-based): chr2:47,800,357, C>G. VCF-style: chr2-47800357-C-G. GRCh37 (hg19) VCF-style: chr2-48027496-C-G.
Other names: c.1984C>G, p.Leu662Val (NM_001281492.2); c.1468C>G, p.Leu490Val (NM_001281493.2, NM_001281494.2, NM_001406811.1 and 6 more transcripts); c.2470C>G, p.Leu824Val (NM_001406795.1, NM_001406802.1); c.2374C>G, p.Leu792Val (NM_001406796.1, NM_001406798.1, NM_001406800.1 and 2 more transcripts); c.2077C>G, p.Leu693Val (NM_001406797.1, NM_001406801.1, NM_001406805.1 and 10 more transcripts); c.1849C>G, p.Leu617Val (NM_001406799.1, NM_001406806.1, NM_001406807.1); c.2296C>G, p.Leu766Val (NM_001406804.1); c.2380C>G, p.Leu794Val (NM_001406813.1); and 4 more; short protein forms L490V, L617V, L662V, L693V, L736V, L766V, L792V, L794V.
Identifiers: ClinVar variation 3071680 (VCV003071680.1), dbSNP rs1478046202, ClinGen allele CA346753705.